The following is an entry in ClinVar:

NM_018941.4(CLN8):c.543+1G>A

Gene: CLN8 (CLN8 transmembrane ER and ERGIC protein; plus strand). Cytogenetic location: 8p23.3.
Variant type: single nucleotide variant.
Coding change: c.543+1G>A on transcript NM_018941.4 (MANE Select); the canonical splice donor site of the intron after coding-DNA position 543, G replaced by A.
Molecular consequence: splice donor variant.
Genome position (GRCh38, 1-based): chr8:1,771,598, G>A. VCF-style: chr8-1771598-G-A. GRCh37 (hg19) VCF-style: chr8-1719764-G-A.
Identifiers: ClinVar variation 1452827 (VCV001452827.9), dbSNP rs756267448, ClinGen allele CA369953788.

ClinVar aggregate classification (germline): Pathogenic (1 of 4 stars; one submission).

Conditions:
Neuronal ceroid lipofuscinosis. Also called: Neuronal Ceroid Lipofuscinoses. Identifiers: Orphanet 216, Orphanet 79263, MedGen C0027877, MONDO:0016295. Disease mechanism: loss of function.

Submissions (2):

Labcorp Genetics (formerly Invitae), Labcorp
Classification: Pathogenic for Neuronal ceroid lipofuscinosis. Last evaluated: 2021-06-28. Review status: criteria provided, single submitter. Criteria: Invitae Variant Classification Sherloc (09022015). Collection method: clinical testing. Allele origin: germline.
Comment: This sequence change affects a donor splice site in intron 2 of the CLN8 gene. While this variant is not anticipated to result in nonsense mediated decay, it likely alters RNA splicing and results in a disrupted protein product. This variant is not present in population databases (ExAC no frequency). This variant has not been reported in the literature in individuals with CLN8-related conditions. Nucleotide substitutions within the consensus splice site are a relatively common cause of aberrant splicing (PMID: 17576681, 9536098). Algorithms developed to predict the effect of sequence changes on RNA splicing suggest that this variant may disrupt the consensus splice site, but this prediction has not been confirmed by published transcriptional studies. This variant disrupts the C-terminus of the CLN8 protein. Other variant(s) that disrupt this region (p.Val236Serfs*8) have been determined to be pathogenic (Invitae). This suggests that variants that disrupt this region of the protein are likely to be causative of disease. For these reasons, this variant has been classified as Pathogenic.

Dr. Peter K. Rogan Lab, Western University
No classification provided (evidence only). Condition: Thyroid cancer, nonmedullary, 1. Review status: no classification provided. Collection method: in vitro. Allele origin: not applicable. Functional consequence: retained intron. Not counted in ClinVar's aggregate classification.

Literature cited by the submitters: PubMed 17576681 (cited by Labcorp Genetics (formerly Invitae), Labcorp); PubMed 9536098 (cited by Labcorp Genetics (formerly Invitae), Labcorp).